The following is an entry in ClinVar:

NM_001277313.2(FMN1):c.2044-2479_2044-2477del

Gene: FMN1 (formin 1; minus strand). Cytogenetic location: 15q13.3.
Variant type: Microsatellite.
Coding change: c.2044-2479_2044-2477del on transcript NM_001277313.2 (MANE Select); 2479 bases into the intron before coding-DNA position 2044 through 2477 bases into the intron before coding-DNA position 2044, 3 bases deleted (AAG; older notation c.2044-2479_2044-2477delAAG).
Molecular consequence: intron variant. On other transcripts: inframe deletion (1).
Genome position (GRCh38, 1-based): chr15:33,067,551-33,067,553, CTT deleted on the plus strand (AAG on the coding strand, the reverse complement: FMN1 is on the minus strand); deleting any 3 consecutive bases within chr15:33,067,551-33,067,556 gives the same sequence; the c. name uses the placement nearest the transcript's 3' end. VCF-style (leftmost placement, unchanged base first): chr15-33067550-GCTT-G. GRCh37 (hg19) VCF-style: chr15-33359751-GCTT-G.
Other names: c.329AAG[1], p.Glu111del (NM_001103184.4); short protein forms E111del.
Identifiers: ClinVar variation 1930254 (VCV001930254.5), dbSNP rs754377740, ClinGen allele CA7457385.
Genomic context (GRCh38, chr15:33,067,550, plus strand): 5'-TCTTTTGTCCCTTTCAAAGTAGACAGTGGAAGCAGCTCTTGAGCAAGGAGAGATGTCCCT[GCTT>G]CTTTTCTCTGACTTCCCTCTGATTCTGTCTCCACGCTTGCAATTTTCTCATCATTTCCGA-3'

ClinVar aggregate classification (germline): Uncertain significance (1 of 4 stars; one submission).

Submission:

Labcorp Genetics (formerly Invitae), Labcorp
Classification: Uncertain significance. Last evaluated: 2022-09-27. Review status: criteria provided, single submitter. Criteria: Invitae Variant Classification Sherloc (09022015). Collection method: clinical testing. Allele origin: germline.
Comment: This variant is present in population databases (rs754377740, gnomAD 0.01%). In summary, the available evidence is currently insufficient to determine the role of this variant in disease. Therefore, it has been classified as a Variant of Uncertain Significance. Experimental studies and prediction algorithms are not available or were not evaluated, and the functional significance of this variant is currently unknown. This variant has not been reported in the literature in individuals affected with FMN1-related conditions. This variant, c.332_334del, results in the deletion of 1 amino acid(s) of the FMN1 protein (p.Glu111del), but otherwise preserves the integrity of the reading frame.